The following is an entry in ClinVar:

ClinVar aggregate classification (germline): Uncertain significance. Review status: criteria provided, multiple submitters, no conflicts (2 of 4 stars). 3 submissions from 3 submitters: Uncertain significance (2). 1 of the submissions does not count toward it. Last evaluated 2025-08-02.

Conditions:
Cystic fibrosis (CF). Also called: MUCOVISCIDOSIS. Identifiers: Orphanet 586, MedGen C0010674, MONDO:0009061, OMIM 219700. Disease mechanism: loss of function.
CFTR-related disorder (CFTR-RD). Also called: CFTR-related disorders; CFTR-related condition. Identifiers: MedGen C5924204, MONDO:7770004.

Allele frequency attached by ClinVar (database versions not stated): gnomAD exomes 0.00001 and below 0.00001; TOPMed below 0.00001; ExAC 0.00002.
gnomAD v4.1: 2 of 1,592,392 alleles (0.00013%); highest among the groups gnomAD compares: East Asian, 0.0045%; no homozygotes.

Submissions (3):

Ambry Genetics
Classification: Uncertain significance for Cystic fibrosis. Last evaluated: 2025-08-02. Review status: criteria provided, single submitter. Criteria: Ambry Variant Classification Scheme 2023. Collection method: clinical testing. Allele origin: germline.
Comment: The p.T599S variant (also known as c.1796C>G), located in coding exon 14 of the CFTR gene, results from a C to G substitution at nucleotide position 1796. The threonine at codon 599 is replaced by serine, an amino acid with similar properties. This amino acid position is conserved. In addition, this alteration is predicted to be deleterious by in silico analysis. Since supporting evidence is limited at this time, the clinical significance of this alteration remains unclear.

Labcorp Genetics (formerly Invitae), Labcorp
Classification: Uncertain significance for Cystic fibrosis. Last evaluated: 2021-10-08. Review status: criteria provided, single submitter. Criteria: Invitae Variant Classification Sherloc (09022015). Collection method: clinical testing. Allele origin: germline.
Comment: This sequence change replaces threonine with serine at codon 599 of the CFTR protein (p.Thr599Ser). The threonine residue is highly conserved and there is a small physicochemical difference between threonine and serine. This variant is present in population databases (rs754945422, ExAC 0.02%). This variant has not been reported in the literature in individuals affected with CFTR-related conditions. Algorithms developed to predict the effect of missense changes on protein structure and function (SIFT, PolyPhen-2, Align-GVGD) all suggest that this variant is likely to be tolerated. Algorithms developed to predict the effect of sequence changes on RNA splicing suggest that this variant may create or strengthen a splice site. In summary, the available evidence is currently insufficient to determine the role of this variant in disease. Therefore, it has been classified as a Variant of Uncertain Significance.

Natera, Inc.
Classification: Uncertain significance for CFTR-related disorders. Last evaluated: 2019-05-01. Review status: no assertion criteria provided. Collection method: clinical testing. Allele origin: germline. Not counted in ClinVar's aggregate classification.

NM_000492.4(CFTR):c.1796C>G (p.Thr599Ser)

Gene: CFTR (CF transmembrane conductance regulator; plus strand). Cytogenetic location: 7q31.2.
Variant type: single nucleotide variant.
Coding change: c.1796C>G on transcript NM_000492.4 (MANE Select); coding-DNA position 1796, C replaced by G.
Protein change: p.Thr599Ser; replaces threonine 599 with serine.
Molecular consequence: missense variant.
Genome position (GRCh38, 1-based): chr7:117,591,963, C>G. VCF-style: chr7-117591963-C-G. GRCh37 (hg19) VCF-style: chr7-117232017-C-G.
Other names: c.1796C>G (NM_000492.3); short protein forms T599S.
Identifiers: ClinVar variation 1042311 (VCV001042311.7), dbSNP rs754945422, ClinGen allele CA4451098.